The following is an entry in ClinVar:

ClinVar aggregate classification (germline): Uncertain significance. Review status: criteria provided, multiple submitters, no conflicts (2 of 4 stars). 2 submissions from 2 submitters: Uncertain significance (2). Last evaluated 2024-10-20.

Allele frequency attached by ClinVar (database versions not stated): gnomAD 0.00002; TOPMed 0.00006.

Submissions (2):

Ambry Genetics
Classification: Uncertain significance. Last evaluated: 2024-10-20. Review status: criteria provided, single submitter. Criteria: Ambry Variant Classification Scheme 2023. Collection method: clinical testing. Allele origin: germline.

Labcorp Genetics (formerly Invitae), Labcorp
Classification: Uncertain significance. Last evaluated: 2022-03-28. Review status: criteria provided, single submitter. Criteria: Invitae Variant Classification Sherloc (09022015). Collection method: clinical testing. Allele origin: germline.
Comment: This sequence change replaces glycine, which is neutral and non-polar, with serine, which is neutral and polar, at codon 556 of the FCHO1 protein (p.Gly556Ser). This variant is present in population databases (no rsID available, gnomAD 0.003%). This variant has not been reported in the literature in individuals affected with FCHO1-related conditions. Algorithms developed to predict the effect of missense changes on protein structure and function are either unavailable or do not agree on the potential impact of this missense change (SIFT: "Tolerated"; PolyPhen-2: "Possibly Damaging"; Align-GVGD: "Class C0"). In summary, the available evidence is currently insufficient to determine the role of this variant in disease. Therefore, it has been classified as a Variant of Uncertain Significance.

NM_015122.3(FCHO1):c.1666G>A (p.Gly556Ser)

Gene: FCHO1 (FCH and mu domain containing endocytic adaptor 1; plus strand). Cytogenetic location: 19p13.11.
Variant type: single nucleotide variant.
Coding change: c.1666G>A on transcript NM_015122.3 (MANE Select); coding-DNA position 1666, G replaced by A.
Protein change: p.Gly556Ser; replaces glycine 556 with serine.
Molecular consequence: missense variant. On other transcripts: non-coding transcript variant (36).
Genome position (GRCh38, 1-based): chr19:17,781,269, G>A. VCF-style: chr19-17781269-G-A. GRCh37 (hg19) VCF-style: chr19-17892078-G-A.
Other names: c.1666G>A, p.Gly556Ser (NM_001161357.2, NM_001161358.2, NM_001384370.1 and 13 more transcripts); c.1516G>A, p.Gly506Ser (NM_001161359.2, NM_001384384.1, NM_001384385.1 and 1 more transcripts); c.1627G>A, p.Gly543Ser (NM_001384388.1, NM_001384389.1, NM_001384405.1); c.1591G>A, p.Gly531Ser (NM_001384390.1); c.1549G>A, p.Gly517Ser (NM_001384392.1, NM_001384393.1, NM_001384394.1 and 1 more transcripts); c.1390G>A, p.Gly464Ser (NM_001384396.1, NM_001384397.1, NM_001384398.1 and 5 more transcripts); c.1345G>A, p.Gly449Ser (NM_001384403.1); c.1240G>A, p.Gly414Ser (NM_001384406.1); and 2 more; short protein forms G414S, G531S, G506S, G517S, G556S, G366S, G449S, G464S.
Identifiers: ClinVar variation 2047675 (VCV002047675.2), dbSNP rs1034506456, ClinGen allele CA306118566.